The following is an entry in ClinVar:

ClinVar aggregate classification (germline): Pathogenic. Review status: criteria provided, multiple submitters, no conflicts (2 of 4 stars). 10 submissions from 10 submitters: Pathogenic (10). Last evaluated 2026-01-02.

Conditions:
NSD1-related disorder. Also called: NSD1-related condition.
Inborn genetic diseases. Identifiers: MedGen C0950123, MeSH D030342.
Sotos syndrome (SOTOS). Also called: CHROMOSOME 5q35 DELETION SYNDROME; CEREBRAL GIGANTISM; Sotos' syndrome; Distinctive facial appearance, overgrowth in childhood, and learning disabilities or delayed development; SOTOS SYNDROME 1. Identifiers: Orphanet 821, MedGen C0175695, MONDO:0019349, OMIM 117550.

gnomAD v4.1: 1 of 1,614,028 alleles (0.000062%); no homozygotes.

Submissions (10):

Ambry Genetics
Classification: Pathogenic for Inborn genetic diseases. Last evaluated: 2026-01-02. Review status: criteria provided, single submitter. Criteria: Ambry Variant Classification Scheme 2023. Collection method: clinical testing. Allele origin: germline.
Comment: The c.6454C>T (p.R2152*) alteration, located in exon 22 (coding exon 21) of the NSD1 gene, consists of a C to T substitution at nucleotide position 6454. This changes the amino acid from an arginine (R) to a stop codon at amino acid position 2152. This variant is not expected to trigger nonsense-mediated mRNA decay, and impacts the last 20.2% of the protein. However, premature stop codons are typically deleterious in nature, the impacted region is critical for protein function, and a significant portion of the protein is affected (Ambry internal data). This variant was not reported in population-based cohorts in the Genome Aggregation Database (gnomAD). This variant was reported in individual(s) with features consistent with Sotos syndrome; in at least one individual, it was determined to be de novo (Tatton-Brown, 2005; Waggoner, 2005; Kamien, 2016; Sukenik-Halevy, 2022). Note, this variant is also referred to as c.5647C>T (p.Arg1883*) in the literature. Based on the available evidence, this alteration is classified as pathogenic.

CeGaT Center for Human Genetics Tuebingen
Classification: Pathogenic. Last evaluated: 2026-01-01. Review status: criteria provided, single submitter. Criteria: CeGaT Center For Human Genetics Tuebingen Variant Classification Criteria Version 2. Collection method: clinical testing. Allele origin: germline. Affected: yes. Observed: 1 variant allele.
Comment: NSD1: PS4, PVS1:Strong, PM2, PM6

Genomic Medicine Center of Excellence, King Faisal Specialist Hospital and Research Centre
Classification: Pathogenic for Sotos syndrome. Last evaluated: 2025-09-10. Review status: criteria provided, single submitter. Criteria: ACMG Guidelines, 2015. Collection method: clinical testing. Allele origin: germline.

Blueprint Genetics
Classification: Pathogenic for NSD1-related disorders. Last evaluated: 2024-07-18. Review status: criteria provided, single submitter. Criteria: ACMG Guidelines, 2015. Collection method: clinical testing. Allele origin: germline. Affected: yes. Observed: 3 variant alleles.

GeneDx
Classification: Pathogenic. Last evaluated: 2023-07-27. Review status: criteria provided, single submitter. Criteria: GeneDx Variant Classification Process June 2021. Collection method: clinical testing. Allele origin: germline. Affected: yes.
Comment: Nonsense variant predicted to result in protein truncation, as the last 545 amino acids are lost, and other loss-of-function variants have been reported downstream in HGMD; Not observed at significant frequency in large population cohorts (gnomAD); This variant is associated with the following publications: (PMID: 25525159, 17565729, 16232326, 15942875, 27604501, 32978145, 35032046, 35904121)

Institute of Human Genetics, University of Leipzig Medical Center
Classification: Pathogenic for Sotos syndrome. Last evaluated: 2023-06-20. Review status: criteria provided, single submitter. Criteria: ACMG Guidelines, 2015. Collection method: clinical testing. Allele origin: maternal. Inheritance: Autosomal dominant inheritance. Affected: yes.
Comment: Criteria applied: PVS1,PS4_MOD,PM2_SUP

Labcorp Genetics (formerly Invitae), Labcorp
Classification: Pathogenic. Last evaluated: 2022-10-23. Review status: criteria provided, single submitter. Criteria: Invitae Variant Classification Sherloc (09022015). Collection method: clinical testing. Allele origin: germline.
Comment: This sequence change creates a premature translational stop signal (p.Arg2152*) in the NSD1 gene. While this is not anticipated to result in nonsense mediated decay, it is expected to disrupt the last 545 amino acid(s) of the NSD1 protein. This variant is not present in population databases (gnomAD no frequency). This premature translational stop signal has been observed in individual(s) with Sotos syndrome (PMID: 15942875, 16247291, 27604501). ClinVar contains an entry for this variant (Variation ID: 159421). This variant disrupts a region of the NSD1 protein in which other variant(s) (p.Gln2163*, p.Arg2187*, p.Glu2505Glyfs*73) have been determined to be pathogenic (PMID: 15742365, 16247291; Invitae). This suggests that this is a clinically significant region of the protein, and that variants that disrupt it are likely to be disease-causing. For these reasons, this variant has been classified as Pathogenic.

Genome-Nilou Lab
Classification: Pathogenic for Sotos syndrome. Last evaluated: 2021-07-15. Review status: criteria provided, single submitter. Criteria: ACMG Guidelines, 2015. Collection method: clinical testing. Allele origin: germline. Affected: no.

Revvity Omics, Revvity
Classification: Pathogenic for Sotos syndrome. Last evaluated: 2021-02-02. Review status: criteria provided, single submitter. Criteria: ACMG Guidelines, 2015. Collection method: clinical testing. Allele origin: germline.

Genetic Services Laboratory, University of Chicago
Classification: Pathogenic for Sotos syndrome 1. Last evaluated: 2013-02-08. Review status: criteria provided, single submitter. Criteria: ACMG Guidelines, 2007. Collection method: clinical testing. Allele origin: germline. Inheritance: Autosomal dominant inheritance. Affected: yes.

Literature cited by the submitters: PubMed 15942875 (cited by Ambry Genetics and Labcorp Genetics (formerly Invitae), Labcorp); PubMed 16247291 (cited by Ambry Genetics and Labcorp Genetics (formerly Invitae), Labcorp); PubMed 27604501 (cited by Ambry Genetics and Labcorp Genetics (formerly Invitae), Labcorp); PubMed 35032046 (cited by Ambry Genetics); PubMed 15742365 (cited by Labcorp Genetics (formerly Invitae), Labcorp).

NM_022455.5(NSD1):c.6454C>T (p.Arg2152Ter)

Gene: NSD1 (nuclear receptor binding SET domain protein 1; plus strand). Cytogenetic location: 5q35.3.
Variant type: single nucleotide variant.
Coding change: c.6454C>T on transcript NM_022455.5 (MANE Select); coding-DNA position 6454, C replaced by T.
Protein change: p.Arg2152Ter; replaces arginine 2152 with a stop codon.
Molecular consequence: nonsense.
Genome position (GRCh38, 1-based): chr5:177,292,149, C>T. VCF-style: chr5-177292149-C-T. GRCh37 (hg19) VCF-style: chr5-176719150-C-T.
Other names: c.5581C>T, p.Arg1861Ter (NM_001365684.2, NM_001409308.1, NM_172349.5); c.6454C>T, p.Arg2152Ter (NM_001409301.1, NM_001409302.1, NM_001409303.1); c.6034C>T, p.Arg2012Ter (NM_001409304.1); c.5701C>T, p.Arg1901Ter (NM_001409305.1); c.5692C>T, p.Arg1898Ter (NM_001409306.1, NM_001409307.1); c.5332C>T, p.Arg1778Ter (NM_001409309.1); short protein forms R2152*, R1883*, R1901*, R1898*, R1778*, R1861*, R2012*.
Identifiers: ClinVar variation 159421 (VCV000159421.30), dbSNP rs587784199, ClinGen allele CA295077.